The following is an entry in ClinVar:

ClinVar aggregate classification (germline): Uncertain significance (1 of 4 stars; one submission).

Conditions:
RASopathy. Also called: rasopathies; Noonan spectrum disorder. Identifiers: Orphanet 536391, MedGen C5555857, MONDO:0021060.

Allele frequency attached by ClinVar (database versions not stated): gnomAD 0.00001; gnomAD exomes 0.00003.
gnomAD v4.1: 43 of 1,515,480 alleles (0.0028%); highest among the groups gnomAD compares: Non-Finnish European, 0.0036%; no homozygotes.

Submission:

Labcorp Genetics (formerly Invitae), Labcorp
Classification: Uncertain significance for RASopathy. Last evaluated: 2026-01-07. Review status: criteria provided, single submitter. Criteria: Invitae Variant Classification Sherloc (09022015). Collection method: clinical testing. Allele origin: germline.
Comment: This sequence change falls in intron 1 of the PTPN11 gene. It does not directly change the encoded amino acid sequence of the PTPN11 protein. It affects a nucleotide within the consensus splice site. This variant is present in population databases (no rsID available, gnomAD 0.008%). This variant has not been reported in the literature in individuals affected with PTPN11-related conditions. ClinVar contains an entry for this variant (Variation ID: 1445534). Variants that disrupt the consensus splice site are a relatively common cause of aberrant splicing (PMID: 17576681, 9536098). Algorithms developed to predict the effect of sequence changes on RNA splicing suggest that this variant is not likely to affect RNA splicing. In summary, the available evidence is currently insufficient to determine the role of this variant in disease. Therefore, it has been classified as a Variant of Uncertain Significance.

Literature cited by the submitters: PubMed 17576681; PubMed 9536098.

NM_002834.5(PTPN11):c.14+6G>A

Gene: PTPN11 (protein tyrosine phosphatase non-receptor type 11; plus strand). Cytogenetic location: 12q24.13.
Variant type: single nucleotide variant.
Coding change: c.14+6G>A on transcript NM_002834.5 (MANE Select); 6 bases into the intron after coding-DNA position 14, G replaced by A.
Molecular consequence: intron variant.
Genome position (GRCh38, 1-based): chr12:112,419,131, G>A. VCF-style: chr12-112419131-G-A. GRCh37 (hg19) VCF-style: chr12-112856935-G-A.
Other names: c.14+6G>A (NM_001330437.2, NM_001374625.1, NM_080601.3).
Identifiers: ClinVar variation 1445534 (VCV001445534.6), dbSNP rs1244171867, ClinGen allele CA607373590.
Genomic context (GRCh38, chr12:112,419,131, plus strand): 5'-CAAGGAGCGGGTCCGTCGCGGAGCCGGAGGGCGGGAGGAACATGACATCGCGGAGGTGAG[G>A]AGCCCCGAGGGGCCCGGCGCGGGCCTCGGCCCGGCCACCGCCGCGTTCGGTTAGCCCCGT-3'